The following is an entry in ClinVar:

NM_006231.4(POLE):c.440G>A (p.Gly147Asp)

Gene: POLE (DNA polymerase epsilon, catalytic subunit; minus strand). Cytogenetic location: 12q24.33.
Variant type: single nucleotide variant.
Coding change: c.440G>A on transcript NM_006231.4 (MANE Select); coding-DNA position 440, G replaced by A.
Protein change: p.Gly147Asp; replaces glycine 147 with aspartic acid.
Molecular consequence: missense variant.
Genome position (GRCh38, 1-based): chr12:132,679,635, C>T on the plus strand (G>A on the coding strand, the complement: POLE is on the minus strand). VCF-style: chr12-132679635-C-T. GRCh37 (hg19) VCF-style: chr12-133256221-C-T.
Other names: c.440G>A (NM_006231.2); short protein forms G147D.
Identifiers: ClinVar variation 851591 (VCV000851591.10), dbSNP rs377573501, ClinGen allele CA246302024.

ClinVar aggregate classification (germline): Uncertain significance. Review status: criteria provided, multiple submitters, no conflicts (2 of 4 stars). 2 submissions from 2 submitters: Uncertain significance (2). Last evaluated 2025-12-10.

Conditions:
Hereditary cancer-predisposing syndrome. Also called: Tumor predisposition; Neoplastic Syndromes, Hereditary; Hereditary neoplastic syndrome; Hereditary Cancer Syndrome. Identifiers: Orphanet 140162, MedGen C0027672, MeSH D009386, MONDO:0015356.

Allele frequency attached by ClinVar (database versions not stated): TOPMed below 0.00001; gnomAD 0.00001; ESP Exome Variant Server 0.00008.
gnomAD v4.1: 1 of 1,610,788 alleles (0.000062%); highest among the groups gnomAD compares: Non-Finnish European, 0.000085%; no homozygotes.

Submissions (2):

Labcorp Genetics (formerly Invitae), Labcorp
Classification: Uncertain significance. Last evaluated: 2025-12-10. Review status: criteria provided, single submitter. Criteria: Invitae Variant Classification Sherloc (09022015). Collection method: clinical testing. Allele origin: germline.
Comment: This sequence change replaces glycine, which is neutral and non-polar, with aspartic acid, which is acidic and polar, at codon 147 of the POLE protein (p.Gly147Asp). This variant is not present in population databases (gnomAD no frequency). This variant has not been reported in the literature in individuals affected with POLE-related conditions. ClinVar contains an entry for this variant (Variation ID: 851591). Invitae Evidence Modeling of protein sequence and biophysical properties (such as structural, functional, and spatial information, amino acid conservation, physicochemical variation, residue mobility, and thermodynamic stability) indicates that this missense variant is expected to disrupt POLE protein function with a positive predictive value of 80%. In summary, the available evidence is currently insufficient to determine the role of this variant in disease. Therefore, it has been classified as a Variant of Uncertain Significance.

Ambry Genetics
Classification: Uncertain significance for Hereditary cancer-predisposing syndrome. Last evaluated: 2025-12-09. Review status: criteria provided, single submitter. Criteria: Ambry Variant Classification Scheme 2023. Collection method: clinical testing. Allele origin: germline.
Comment: The p.G147D variant (also known as c.440G>A), located in coding exon 6 of the POLE gene, results from a G to A substitution at nucleotide position 440. The glycine at codon 147 is replaced by aspartic acid, an amino acid with similar properties. This amino acid position is highly conserved in available vertebrate species. In addition, this alteration is predicted to be deleterious by in silico analysis. Based on the available evidence, the clinical significance of this variant remains unclear.